The following is an entry in ClinVar:

ClinVar aggregate classification (germline): Benign/Likely benign. Review status: criteria provided, multiple submitters, no conflicts (2 of 4 stars). 8 submissions from 7 submitters: Benign (5); Likely benign (2). 1 of the submissions does not count toward it. Last evaluated 2026-02-03.

Conditions:
SH3TC2-related disorder. Also called: SH3TC2-related condition; SH3TC2-related disorders. Identifiers: MedGen CN239303.
Inborn genetic diseases. Identifiers: MedGen C0950123, MeSH D030342.
Charcot-Marie-Tooth disease. Also called: Charcot-Marie-Tooth Neuropathy; Charcot-Marie-Tooth Hereditary Neuropathy. Identifiers: Orphanet 166, MedGen C0007959, MONDO:0015626.
Charcot-Marie-Tooth disease type 4. Also called: Charcot-Marie-Tooth, Type 4; Charcot-Marie-Tooth disease, type IV. Identifiers: Orphanet 64749, MedGen C4082197, MONDO:0018995.
Charcot-Marie-Tooth disease type 4C (CMT4C). Also called: CMT 4C; CHARCOT-MARIE-TOOTH DISEASE, DEMYELINATING, TYPE 4C; Charcot-Marie-Tooth Neuropathy Type 4C (CMT4C); CHARCOT-MARIE-TOOTH DISEASE, DEMYELINATING, AUTOSOMAL RECESSIVE, TYPE 4C; SH3TC2-Related Hereditary Motor and Sensory Neuropathy. Identifiers: Orphanet 99949, MedGen C1866636, MONDO:0011113, OMIM 601596.
Susceptibility to mononeuropathy of the median nerve, mild. Also called: CARPAL TUNNEL SYNDROME, SUSCEPTIBILITY TO. Identifiers: MedGen C3150596, MONDO:0013237, OMIM 613353.

Allele frequency attached by ClinVar (database versions not stated): gnomAD exomes 0.00260 and 0.00085; 1000 Genomes Project 30x 0.00547; 1000 Genomes Project 0.00579; ESP Exome Variant Server 0.00054; gnomAD 0.00133 and 0.00168; TOPMed 0.00178; ExAC 0.00258.
gnomAD v4.1: 1,662 of 1,613,796 alleles (0.1%); highest among the groups gnomAD compares: East Asian, 2.1%; 29 homozygotes.

Submissions (8):

Labcorp Genetics (formerly Invitae), Labcorp
Classification: Benign for Charcot-Marie-Tooth disease type 4. Last evaluated: 2026-02-03. Review status: criteria provided, single submitter. Criteria: Invitae Variant Classification Sherloc (09022015). Collection method: clinical testing. Allele origin: germline.

Mayo Clinic Laboratories, Mayo Clinic
Classification: Benign. Last evaluated: 2019-12-09. Review status: criteria provided, single submitter. Criteria: ACMG Guidelines, 2015. Collection method: clinical testing. Allele origin: germline. Observed: 2 variant alleles.

Ambry Genetics
Classification: Likely benign for Inborn genetic diseases. Last evaluated: 2019-07-11. Review status: criteria provided, single submitter. Criteria: Ambry Variant Classification Scheme 2023. Collection method: clinical testing. Allele origin: germline.

GeneDx
Classification: Benign. Last evaluated: 2018-04-24. Review status: criteria provided, single submitter. Criteria: GeneDx Variant Classification (06012015). Collection method: clinical testing. Allele origin: germline. Affected: yes.
Comment: This variant is considered likely benign or benign based on one or more of the following criteria: it is a conservative change, it occurs at a poorly conserved position in the protein, it is predicted to be benign by multiple in silico algorithms, and/or has population frequency not consistent with disease.

Illumina Laboratory Services, Illumina
Classification: Benign for Charcot-Marie-Tooth disease type 4C. Last evaluated: 2018-01-12. Review status: criteria provided, single submitter. Criteria: ICSL Variant Classification Criteria 13 December 2019. Collection method: clinical testing. Allele origin: germline.
Comment: This variant was observed in the ICSL laboratory as part of a predisposition screen in an ostensibly healthy population. It had not been previously curated by ICSL or reported in the Human Gene Mutation Database (HGMD: prior to June 1st, 2018), and was therefore a candidate for classification through an automated scoring system. Utilizing variant allele frequency, disease prevalence and penetrance estimates, and inheritance mode, an automated score was calculated to assess if this variant is too frequent to cause the disease. Based on the score and internal cut-off values, a variant classified as benign is not then subjected to further curation. The score for this variant resulted in a classification of benign for this disease.

Illumina Laboratory Services, Illumina
Classification: Benign for Susceptibility to mononeuropathy of the median nerve, mild. Last evaluated: 2018-01-12. Review status: criteria provided, single submitter. Criteria: ICSL Variant Classification Criteria 13 December 2019. Collection method: clinical testing. Allele origin: germline.
Comment: the same text as in the submission from Illumina Laboratory Services, Illumina above.

Molecular Genetics Laboratory, London Health Sciences Centre
Classification: Likely benign for Charcot-Marie-Tooth disease. Review status: criteria provided, single submitter. Criteria: ACMG Guidelines, 2015. Collection method: clinical testing. Allele origin: germline. Affected: yes.

PreventionGenetics, part of Exact Sciences
Classification: Benign for SH3TC2-related condition. Last evaluated: 2024-05-22. Review status: no assertion criteria provided. Collection method: clinical testing. Allele origin: germline. Not counted in ClinVar's aggregate classification.
Comment: This variant is classified as benign based on ACMG/AMP sequence variant interpretation guidelines (Richards et al. 2015 PMID: 25741868, with internal and published modifications).

NM_024577.4(SH3TC2):c.3834G>A (p.Ala1278=)

Gene: SH3TC2 (SH3 domain and tetratricopeptide repeats 2; minus strand). Cytogenetic location: 5q32.
Variant type: single nucleotide variant.
Coding change: c.3834G>A on transcript NM_024577.4 (MANE Select); coding-DNA position 3834, G replaced by A.
Protein change: p.Ala1278=; no amino-acid change (alanine 1278 retained).
Molecular consequence: synonymous variant.
Genome position (GRCh38, 1-based): chr5:149,004,744, C>T on the plus strand (G>A on the coding strand, the complement: SH3TC2 is on the minus strand). VCF-style: chr5-149004744-C-T. GRCh37 (hg19) VCF-style: chr5-148384307-C-T.
Other names: p.Ala1278=.
Identifiers: ClinVar variation 351895 (VCV000351895.21), dbSNP rs117804174, ClinGen allele CA3498616.